The following is an entry in ClinVar:

NM_002529.4(NTRK1):c.1903G>A (p.Ala635Thr)

Gene: NTRK1 (neurotrophic receptor tyrosine kinase 1; plus strand). Cytogenetic location: 1q23.1.
Variant type: single nucleotide variant.
Coding change: c.1903G>A on transcript NM_002529.4 (MANE Select); coding-DNA position 1903, G replaced by A.
Protein change: p.Ala635Thr; replaces alanine 635 with threonine.
Molecular consequence: missense variant.
Genome position (GRCh38, 1-based): chr1:156,879,219, G>A. VCF-style: chr1-156879219-G-A. GRCh37 (hg19) VCF-style: chr1-156849011-G-A.
Other names: c.1795G>A, p.Ala599Thr (NM_001007792.1); c.1885G>A, p.Ala629Thr (NM_001012331.2); c.1903G>A (NM_002529.3); short protein forms A599T, A629T, A635T.
Identifiers: ClinVar variation 1518878 (VCV001518878.4), dbSNP rs749869863, ClinGen allele CA1169511.

ClinVar aggregate classification (germline): Uncertain significance. Review status: criteria provided, multiple submitters, no conflicts (2 of 4 stars). 2 submissions from 2 submitters: Uncertain significance (2). Last evaluated 2025-09-10.

Conditions:
Hereditary insensitivity to pain with anhidrosis (CIPA). Also called: HSAN Type IV; FAMILIAL DYSAUTONOMIA, TYPE II; NTRK1 Congenital Insensitivity to Pain with Anhidrosis; hereditary sensory and autonomic neuropathy type 4; NEUROPATHY, CONGENITAL SENSORY, WITH ANHIDROSIS; INSENSITIVITY TO PAIN, CONGENITAL, WITH ANHIDROSIS. Identifiers: Orphanet 642, MedGen C0020074, MONDO:0009746, OMIM 256800.
Pyruvate kinase deficiency of red cells (CNSHA2). Also called: PK DEFICIENCY; PYRUVATE KINASE DEFICIENCY OF ERYTHROCYTE; Pyruvate kinase deficiency, Amish type. Identifiers: Orphanet 766, MedGen C0340968, MONDO:0009950, OMIM 266200.

Allele frequency attached by ClinVar (database versions not stated): gnomAD exomes 0.00001; ExAC 0.00002.
gnomAD v4.1: 16 of 1,614,060 alleles (0.00099%); highest among the groups gnomAD compares: Admixed American, 0.0033%; no homozygotes.

Submissions (2):

Genomic Medicine Center of Excellence, King Faisal Specialist Hospital and Research Centre
Classification: Uncertain significance for Pyruvate kinase deficiency of red cells. Last evaluated: 2025-09-10. Review status: criteria provided, single submitter. Criteria: ACMG Guidelines, 2015. Collection method: clinical testing. Allele origin: germline.

Labcorp Genetics (formerly Invitae), Labcorp
Classification: Uncertain significance for Hereditary insensitivity to pain with anhidrosis. Last evaluated: 2022-04-15. Review status: criteria provided, single submitter. Criteria: Invitae Variant Classification Sherloc (09022015). Collection method: clinical testing. Allele origin: germline.
Comment: This sequence change replaces alanine, which is neutral and non-polar, with threonine, which is neutral and polar, at codon 629 of the NTRK1 protein (p.Ala629Thr). This variant is present in population databases (rs749869863, gnomAD 0.003%). This variant has not been reported in the literature in individuals affected with NTRK1-related conditions. Advanced modeling of protein sequence and biophysical properties (such as structural, functional, and spatial information, amino acid conservation, physicochemical variation, residue mobility, and thermodynamic stability) performed at Invitae indicates that this missense variant is not expected to disrupt NTRK1 protein function. Algorithms developed to predict the effect of sequence changes on RNA splicing suggest that this variant may create or strengthen a splice site. In summary, the available evidence is currently insufficient to determine the role of this variant in disease. Therefore, it has been classified as a Variant of Uncertain Significance.